The following is an entry in ClinVar:

NM_020944.3(GBA2):c.1827T>C (p.Tyr609=)

Gene: GBA2 (glucosylceramidase beta 2; minus strand). Cytogenetic location: 9p13.3.
Variant type: single nucleotide variant.
Coding change: c.1827T>C on transcript NM_020944.3 (MANE Select); coding-DNA position 1827, T replaced by C.
Protein change: p.Tyr609=; no amino-acid change (tyrosine 609 retained).
Molecular consequence: synonymous variant.
Genome position (GRCh38, 1-based): chr9:35,738,872, A>G on the plus strand (T>C on the coding strand, the complement: GBA2 is on the minus strand). VCF-style: chr9-35738872-A-G. GRCh37 (hg19) VCF-style: chr9-35738869-A-G.
Other names: c.1827T>C, p.Tyr609= (NM_001330660.2).
Identifiers: ClinVar variation 3389677 (VCV003389677.14).

ClinVar aggregate classification (germline): Likely benign (1 of 4 stars; one submission).

Submission:

CeGaT Center for Human Genetics Tuebingen
Classification: Likely benign. Last evaluated: 2024-09-01. Review status: criteria provided, single submitter. Criteria: CeGaT Center For Human Genetics Tuebingen Variant Classification Criteria Version 2. Collection method: clinical testing. Allele origin: germline. Affected: yes. Observed: 1 variant allele.
Comment: GBA2: BP4, BP7